The following is an entry in ClinVar:

ClinVar aggregate classification (germline): Uncertain significance. Review status: criteria provided, multiple submitters, no conflicts (2 of 4 stars). 4 submissions from 4 submitters: Uncertain significance (4). Last evaluated 2025-08-28.

Conditions:
Cardiovascular phenotype. Identifiers: MedGen CN230736.
Ventricular tachycardia. Identifiers: MedGen C0042514, MONDO:0005477, HP:0004756.
Long QT syndrome (LQTS). Identifiers: MedGen C0023976, MeSH D008133, MONDO:0002442. Disease mechanism: loss of function. Inheritance: Various modes of inheritance.

Allele frequency attached by ClinVar (database versions not stated): TOPMed 0.00001; ExAC 0.00002; gnomAD exomes 0.00002; ESP Exome Variant Server 0.00015.
gnomAD v4.1: 22 of 1,613,430 alleles (0.0014%); highest among the groups gnomAD compares: East Asian, 0.0045%; no homozygotes.

Submissions (4):

Ambry Genetics
Classification: Uncertain significance for Cardiovascular phenotype. Last evaluated: 2025-08-28. Review status: criteria provided, single submitter. Criteria: Ambry Variant Classification Scheme 2023. Collection method: clinical testing. Allele origin: germline.
Comment: The p.A756T variant (also known as c.2266G>A), located in coding exon 20 of the ANK2 gene, results from a G to A substitution at nucleotide position 2266. The alanine at codon 756 is replaced by threonine, an amino acid with similar properties. This variant has been detected in a proband from an autism spectrum disorder cohort (Stessman HA et al. Nat Genet. 2017 Apr;49(4):515-526; Wang T et al. Nat Commun. 2020 Oct;11(1):4932). This amino acid position is well conserved in available vertebrate species. In addition, this alteration is predicted to be tolerated by in silico analysis. According to data from gnomAD, the frequency for this variant is above the maximum credible frequency for a cardiac disease-causing variant in this gene based on internally established thresholds (Karczewski et al. Nature. 2020 May;581(7809):434-443; Whiffin et al. Genet Med. 2017 10;19:1151-1158). Based on the supporting evidence, the association of this alteration with ANK2-related neurodevelopmental disorder is unknown; however, the association with ANK2-related arrhythmia is unlikely.

Labcorp Genetics (formerly Invitae), Labcorp
Classification: Uncertain significance for Long QT syndrome. Last evaluated: 2023-08-31. Review status: criteria provided, single submitter. Criteria: Invitae Variant Classification Sherloc (09022015). Collection method: clinical testing. Allele origin: germline.
Comment: ClinVar contains an entry for this variant (Variation ID: 190553). This missense change has been observed in individual(s) with ANK2-related conditions (PMID: 28191889, 33004838). This variant is present in population databases (rs368809372, gnomAD 0.01%). This sequence change replaces alanine, which is neutral and non-polar, with threonine, which is neutral and polar, at codon 756 of the ANK2 protein (p.Ala756Thr). Advanced modeling of protein sequence and biophysical properties (such as structural, functional, and spatial information, amino acid conservation, physicochemical variation, residue mobility, and thermodynamic stability) performed at Invitae indicates that this missense variant is not expected to disrupt ANK2 protein function. In summary, the available evidence is currently insufficient to determine the role of this variant in disease. Therefore, it has been classified as a Variant of Uncertain Significance.

GeneDx
Classification: Uncertain significance. Last evaluated: 2019-10-29. Review status: criteria provided, single submitter. Criteria: GeneDx Variant Classification Process June 2021. Collection method: clinical testing. Allele origin: germline. Affected: yes.
Comment: Has not been previously published as pathogenic or benign to our knowledge; Not observed at a significant frequency in large population cohorts (Lek et al., 2016); In silico analysis, which includes protein predictors and evolutionary conservation, supports a deleterious effect; Reported in ClinVar as a variant of uncertain significance by another clinical laboratory (ClinVar Variant ID# 190553; Landrum et al., 2016); This variant is associated with the following publications: (PMID: 28191889)

Center for Advanced Laboratory Medicine, UC San Diego Health, University of California San Diego
Classification: Uncertain significance for Ventricular tachycardia. Last evaluated: 2018-12-13. Review status: criteria provided, single submitter. Criteria: ACMG Guidelines, 2015. Collection method: clinical testing. Allele origin: germline. Affected: yes. Observed: 1 variant allele.

Literature cited by the submitters: PubMed 28191889 (cited by Ambry Genetics and Labcorp Genetics (formerly Invitae), Labcorp); PubMed 33004838 (cited by Ambry Genetics and Labcorp Genetics (formerly Invitae), Labcorp).

NM_001148.6(ANK2):c.2266G>A (p.Ala756Thr)

Gene: ANK2 (ankyrin 2; plus strand). Cytogenetic location: 4q26.
Variant type: single nucleotide variant.
Coding change: c.2266G>A on transcript NM_001148.6 (MANE Select); coding-DNA position 2266, G replaced by A.
Protein change: p.Ala756Thr; replaces alanine 756 with threonine.
Molecular consequence: missense variant.
Genome position (GRCh38, 1-based): chr4:113,288,475, G>A. VCF-style: chr4-113288475-G-A. GRCh37 (hg19) VCF-style: chr4-114209631-G-A.
Other names: p.A756T:GCA>ACA; c.2203G>A, p.Ala735Thr (NM_001127493.3, NM_001354239.2, NM_001354243.2 and 10 more transcripts); c.2266G>A, p.Ala756Thr (NM_001354225.2, NM_001354228.2, NM_001354232.2 and 6 more transcripts); c.2311G>A, p.Ala771Thr (NM_001354230.2, NM_001354231.2, NM_001354237.2 and 5 more transcripts); c.2167G>A, p.Ala723Thr (NM_001354245.2, NM_001354268.2); c.2179G>A, p.Ala727Thr (NM_001354249.2, NM_001354264.2, NM_001354266.2 and 10 more transcripts); c.2104G>A, p.Ala702Thr (NM_001354253.2, NM_001354257.2, NM_001354270.2 and 1 more transcripts); c.2080G>A, p.Ala694Thr (NM_001354260.2, NM_001354271.2, NM_001386151.1); and 9 more; short protein forms A735T, A756T, A686T, A771T, A661T, A690T, A694T, A723T.
Identifiers: ClinVar variation 190553 (VCV000190553.14), dbSNP rs368809372, ClinGen allele CA300825.